The following is an entry in ClinVar:

ClinVar aggregate classification (germline): Uncertain significance (1 of 4 stars; one submission).

Submission:

Ambry Genetics
Classification: Uncertain significance. Last evaluated: 2021-12-10. Review status: criteria provided, single submitter. Criteria: Ambry Variant Classification Scheme 2023. Collection method: clinical testing. Allele origin: germline.
Comment: The p.K353N variant (also known as c.1059G>T), located in coding exon 8 of the RECQL gene, results from a G to T substitution at nucleotide position 1059. The lysine at codon 353 is replaced by asparagine, an amino acid with similar properties. This amino acid position is conserved. In addition, the in silico prediction for this alteration is inconclusive. Since supporting evidence is limited at this time, the clinical significance of this alteration remains unclear.

NM_002907.4(RECQL):c.1059G>T (p.Lys353Asn)

Gene: RECQL (RecQ like helicase; minus strand). Cytogenetic location: 12p12.1.
Variant type: single nucleotide variant.
Coding change: c.1059G>T on transcript NM_002907.4 (MANE Select); coding-DNA position 1059, G replaced by T.
Protein change: p.Lys353Asn; replaces lysine 353 with asparagine.
Molecular consequence: missense variant.
Genome position (GRCh38, 1-based): chr12:21,475,715, C>A on the plus strand (G>T on the coding strand, the complement: RECQL is on the minus strand). VCF-style: chr12-21475715-C-A. GRCh37 (hg19) VCF-style: chr12-21628649-C-A.
Other names: c.1059G>T, p.Lys353Asn (NM_032941.3); short protein forms K353N.
Identifiers: ClinVar variation 1779606 (VCV001779606.2), dbSNP rs1943072985, ClinGen allele CA384121280.